The following is an entry in ClinVar:

ClinVar aggregate classification (germline): Pathogenic (1 of 4 stars; one submission).

Conditions:
Hereditary spastic paraplegia 4. Also called: Spastic Paraplegia 4; Spastic paraplegia 4, autosomal dominant; Familial spastic paraplegia autosomal dominant 2. Identifiers: Orphanet 100985, MedGen C1866855, MONDO:0008438, OMIM 182601.

Submission:

Labcorp Genetics (formerly Invitae), Labcorp
Classification: Pathogenic for Hereditary spastic paraplegia 4. Last evaluated: 2023-11-05. Review status: criteria provided, single submitter. Criteria: Invitae Variant Classification Sherloc (09022015). Collection method: clinical testing. Allele origin: germline.
Comment: This sequence change affects a donor splice site in intron 5 of the SPAST gene. It is expected to disrupt RNA splicing. Variants that disrupt the donor or acceptor splice site typically lead to a loss of protein function (PMID: 16199547), and loss-of-function variants in SPAST are known to be pathogenic (PMID: 20932283). This variant is not present in population databases (gnomAD no frequency). Disruption of this splice site has been observed in individuals with hereditary spastic paraplegia (PMID: 18701882, 25341883). Algorithms developed to predict the effect of sequence changes on RNA splicing suggest that this variant may disrupt the consensus splice site. For these reasons, this variant has been classified as Pathogenic.

Literature cited by the submitters: PubMed 16199547; PubMed 20932283; PubMed 18701882; PubMed 25341883.

NM_014946.4(SPAST):c.870+2T>C

Gene: SPAST (spastin; plus strand). Cytogenetic location: 2p22.3.
Variant type: single nucleotide variant.
Coding change: c.870+2T>C on transcript NM_014946.4 (MANE Select); the canonical splice donor site of the intron after coding-DNA position 870, T replaced by C.
Molecular consequence: splice donor variant.
Genome position (GRCh38, 1-based): chr2:32,114,827, T>C. VCF-style: chr2-32114827-T-C. GRCh37 (hg19) VCF-style: chr2-32339896-T-C.
Other names: c.774+2T>C (NM_199436.2, NM_001377959.1); c.867+2T>C (NM_001363823.2); c.771+2T>C (NM_001363875.2).
Identifiers: ClinVar variation 2693431 (VCV002693431.3), dbSNP rs2465835765, ClinGen allele CA346498949.
Genomic context (GRCh38, chr2:32,114,827, plus strand): 5'-GTTTATCCATGGTTTCTGGAGTGAAACAGGGATCTGGTCCTGCTCCTACCACTCATAAGG[T>C]ATTCTGGGACAGTAACTTTAATTGCTGTCTTTTTGCAAATAGAAAAATTTTTAAGATACT-3'